The following is an entry in ClinVar:

ClinVar aggregate classification (germline): Uncertain significance. Review status: criteria provided, multiple submitters, no conflicts (2 of 4 stars). 2 submissions from 2 submitters: Uncertain significance (2). Last evaluated 2025-06-10.

Conditions:
Cardiovascular phenotype. Identifiers: MedGen CN230736.

Allele frequency attached by ClinVar (database versions not stated): gnomAD 0.00001; TOPMed 0.00001.
gnomAD v4.1: 7 of 1,549,052 alleles (0.00045%); highest among the groups gnomAD compares: South Asian, 0.0012%; no homozygotes.

Submissions (2):

Ambry Genetics
Classification: Uncertain significance for Cardiovascular phenotype. Last evaluated: 2025-06-10. Review status: criteria provided, single submitter. Criteria: Ambry Variant Classification Scheme 2023. Collection method: clinical testing. Allele origin: germline.
Comment: The p.A410V variant (also known as c.1229C>T), located in coding exon 1 of the ZNF469 gene, results from a C to T substitution at nucleotide position 1229. The alanine at codon 410 is replaced by valine, an amino acid with similar properties. This amino acid position is conserved. In addition, this alteration is predicted to be tolerated by in silico analysis. Based on the available evidence, the clinical significance of this variant remains unclear.

Labcorp Genetics (formerly Invitae), Labcorp
Classification: Uncertain significance. Last evaluated: 2022-04-08. Review status: criteria provided, single submitter. Criteria: Invitae Variant Classification Sherloc (09022015). Collection method: clinical testing. Allele origin: germline.
Comment: This sequence change replaces alanine, which is neutral and non-polar, with valine, which is neutral and non-polar, at codon 410 of the ZNF469 protein (p.Ala410Val). This variant is not present in population databases (gnomAD no frequency). This variant has not been reported in the literature in individuals affected with ZNF469-related conditions. Algorithms developed to predict the effect of missense changes on protein structure and function output the following: SIFT: "Deleterious"; PolyPhen-2: "Benign"; Align-GVGD: "Class C0". The valine amino acid residue is found in multiple mammalian species, which suggests that this missense change does not adversely affect protein function. In summary, the available evidence is currently insufficient to determine the role of this variant in disease. Therefore, it has been classified as a Variant of Uncertain Significance.

NM_001367624.2(ZNF469):c.1229C>T (p.Ala410Val)

Gene: ZNF469 (zinc finger protein 469; plus strand). Cytogenetic location: 16q24.2.
Variant type: single nucleotide variant.
Coding change: c.1229C>T on transcript NM_001367624.2 (MANE Select); coding-DNA position 1229, C replaced by T.
Protein change: p.Ala410Val; replaces alanine 410 with valine.
Molecular consequence: missense variant.
Genome position (GRCh38, 1-based): chr16:88,428,699, C>T. VCF-style: chr16-88428699-C-T. GRCh37 (hg19) VCF-style: chr16-88495107-C-T.
Other names: NM_001127464.1:c.1229C>T; short protein forms A410V.
Identifiers: ClinVar variation 1958580 (VCV001958580.3), dbSNP rs1444199242, ClinGen allele CA397063868.